The following is an entry in ClinVar:

ClinVar aggregate classification (germline): Likely benign (1 of 4 stars; one submission).

Allele frequency attached by ClinVar (database versions not stated): 1000 Genomes Project 30x 0.01265; 1000 Genomes Project 0.01278; gnomAD 0.02415; TOPMed 0.02532.
gnomAD v4.1: 3,760 of 152,262 alleles (2.5%); highest among the groups gnomAD compares: Non-Finnish European, 3.9%; 68 homozygotes.

Submission:

GeneDx
Classification: Likely benign. Last evaluated: 2018-06-14. Review status: criteria provided, single submitter. Criteria: GeneDx Variant Classification (06012015). Collection method: clinical testing. Allele origin: germline. Affected: yes.
Comment: This variant is considered likely benign or benign based on one or more of the following criteria: it is a conservative change, it occurs at a poorly conserved position in the protein, it is predicted to be benign by multiple in silico algorithms, and/or has population frequency not consistent with disease.

NM_002834.5(PTPN11):c.854-223C>T

Gene: PTPN11 (protein tyrosine phosphatase non-receptor type 11; plus strand). Cytogenetic location: 12q24.13.
Variant type: single nucleotide variant.
Coding change: c.854-223C>T on transcript NM_002834.5 (MANE Select); 223 bases into the intron before coding-DNA position 854, C replaced by T.
Molecular consequence: intron variant.
Genome position (GRCh38, 1-based): chr12:112,477,428, C>T. VCF-style: chr12-112477428-C-T. GRCh37 (hg19) VCF-style: chr12-112915232-C-T.
Other names: c.854-223C>T (NM_001330437.2, NM_080601.3); c.851-223C>T (NM_001374625.1).
Identifiers: ClinVar variation 561610 (VCV000561610.1), dbSNP rs73209632, ClinGen allele CA13729668.